The following is an entry in ClinVar:

ClinVar aggregate classification (germline): Conflicting classifications of pathogenicity. Review status: criteria provided, conflicting classifications (1 of 4 stars). 3 submissions from 2 submitters: Uncertain significance (1); Benign (2). Last evaluated 2026-01-21.

Conditions:
Freeman-Sheldon syndrome (DA2A). Also called: Arthrogryposis, distal, type 2A (Freeman-Sheldon); CRANIOCARPOTARSAL DYSPLASIA; CRANIOCARPOTARSAL DYSTROPHY; WHISTLING FACE-WINDMILL VANE HAND SYNDROME. Identifiers: Orphanet 2053, MedGen C0265224, MONDO:0008675, OMIM 193700.
Distal arthrogryposis type 2B1 (DA2B1). Also called: Arthrogryposis multiplex congenita distal type II with craniofacial abnormalities. Identifiers: Orphanet 1147, MedGen C5193014, MONDO:0020820, OMIM 601680.

Allele frequency attached by ClinVar (database versions not stated): TOPMed 0.00010; ExAC 0.00013; gnomAD 0.00015.
gnomAD v4.1: 222 of 1,614,020 alleles (0.014%); highest among the groups gnomAD compares: Non-Finnish European, 0.018%; no homozygotes.

Submissions (3):

Labcorp Genetics (formerly Invitae), Labcorp
Classification: Benign. Last evaluated: 2026-01-21. Review status: criteria provided, single submitter. Criteria: Invitae Variant Classification Sherloc (09022015). Collection method: clinical testing. Allele origin: germline.

Illumina Laboratory Services, Illumina
Classification: Benign for Freeman-Sheldon syndrome. Last evaluated: 2018-01-12. Review status: criteria provided, single submitter. Criteria: ICSL Variant Classification Criteria 13 December 2019. Collection method: clinical testing. Allele origin: germline.
Comment: This variant was observed in the ICSL laboratory as part of a predisposition screen in an ostensibly healthy population. It had not been previously curated by ICSL or reported in the Human Gene Mutation Database (HGMD: prior to June 1st, 2018), and was therefore a candidate for classification through an automated scoring system. Utilizing variant allele frequency, disease prevalence and penetrance estimates, and inheritance mode, an automated score was calculated to assess if this variant is too frequent to cause the disease. Based on the score and internal cut-off values, a variant classified as benign is not then subjected to further curation. The score for this variant resulted in a classification of benign for this disease.

Illumina Laboratory Services, Illumina
Classification: Uncertain significance for Distal arthrogryposis type 2B1. Last evaluated: 2018-01-12. Review status: criteria provided, single submitter. Criteria: ICSL Variant Classification Criteria 13 December 2019. Collection method: clinical testing. Allele origin: germline.

NM_002470.4(MYH3):c.4810G>A (p.Ala1604Thr)

Gene: MYH3 (myosin heavy chain 3; minus strand). Cytogenetic location: 17p13.1.
Variant type: single nucleotide variant.
Coding change: c.4810G>A on transcript NM_002470.4 (MANE Select); coding-DNA position 4810, G replaced by A.
Protein change: p.Ala1604Thr; replaces alanine 1604 with threonine.
Molecular consequence: missense variant.
Genome position (GRCh38, 1-based): chr17:10,632,622, C>T on the plus strand (G>A on the coding strand, the complement: MYH3 is on the minus strand). VCF-style: chr17-10632622-C-T. GRCh37 (hg19) VCF-style: chr17-10535939-C-T.
Other names: short protein forms A1604T.
Identifiers: ClinVar variation 704093 (VCV000704093.16), dbSNP rs201488879, ClinGen allele CA8392115.